The following is an entry in ClinVar:

NM_001283009.2(RTEL1):c.591G>C (p.Leu197Phe)

Genes: RTEL1 (regulator of telomere elongation helicase 1; plus strand), RTEL1-TNFRSF6B (RTEL1-TNFRSF6B readthrough (NMD candidate); plus strand). Cytogenetic location: 20q13.33.
Variant type: single nucleotide variant.
Coding change: c.591G>C on transcript NM_001283009.2 (MANE Select); coding-DNA position 591, G replaced by C.
Protein change: p.Leu197Phe; replaces leucine 197 with phenylalanine.
Molecular consequence: missense variant. On other transcripts: non-coding transcript variant (1), 5 prime UTR variant (1).
Genome position (GRCh38, 1-based): chr20:63,666,056, G>C. VCF-style: chr20-63666056-G-C. GRCh37 (hg19) VCF-style: chr20-62297409-G-C.
Other names: c.-79G>C (NM_001283010.1); c.591G>C, p.Leu197Phe (NM_016434.4); c.663G>C, p.Leu221Phe (NM_032957.5); short protein forms L197F, L221F.
Identifiers: ClinVar variation 4629512 (VCV004629512.1).

ClinVar aggregate classification (germline): Uncertain significance (1 of 4 stars; one submission).

Conditions:
Inborn genetic diseases. Identifiers: MedGen C0950123, MeSH D030342.

Submission:

Ambry Genetics
Classification: Uncertain significance for Inborn genetic diseases. Last evaluated: 2025-09-21. Review status: criteria provided, single submitter. Criteria: Ambry Variant Classification Scheme 2023. Collection method: clinical testing. Allele origin: germline.
Comment: The p.L197F variant (also known as c.591G>C), located in coding exon 6 of the RTEL1 gene, results from a G to C substitution at nucleotide position 591. The leucine at codon 197 is replaced by phenylalanine, an amino acid with highly similar properties. This amino acid position is conserved. In addition, the in silico prediction for this alteration is inconclusive. Based on the available evidence, the clinical significance of this variant remains unclear.